The following is an entry in ClinVar:

NM_201384.3(PLEC):c.3810G>T (p.Arg1270Ser)

Gene: PLEC (plectin; minus strand). Cytogenetic location: 8q24.3.
Variant type: single nucleotide variant.
Coding change: c.3810G>T on transcript NM_201384.3 (MANE Select); coding-DNA position 3810, G replaced by T.
Protein change: p.Arg1270Ser; replaces arginine 1270 with serine.
Molecular consequence: missense variant.
Genome position (GRCh38, 1-based): chr8:143,927,282, C>A on the plus strand (G>T on the coding strand, the complement: PLEC is on the minus strand). VCF-style: chr8-143927282-C-A. GRCh37 (hg19) VCF-style: chr8-145001450-C-A.
Other names: c.3891G>T, p.Arg1297Ser (NM_000445.5, NM_001410941.1); c.3768G>T, p.Arg1256Ser (NM_201378.4); c.3744G>T, p.Arg1248Ser (NM_201379.3); c.4221G>T, p.Arg1407Ser (NM_201380.4); c.3714G>T, p.Arg1238Ser (NM_201381.3); c.3810G>T, p.Arg1270Ser (NM_201382.4); c.3822G>T, p.Arg1274Ser (NM_201383.3); short protein forms R1256S, R1248S, R1274S, R1297S, R1238S, R1270S, R1407S.
Identifiers: ClinVar variation 1913805 (VCV001913805.5), dbSNP rs1825561441, ClinGen allele CA372564470.

ClinVar aggregate classification (germline): Uncertain significance (1 of 4 stars; one submission).

Conditions:
Epidermolysis bullosa simplex 5B, with muscular dystrophy (EBS5B). Also called: Epidermolysis bullosa simplex with muscular dystrophy; EPIDERMOLYSIS BULLOSA SIMPLEX AND LIMB-GIRDLE MUSCULAR DYSTROPHY. Identifiers: Orphanet 257, MedGen C2931072, MONDO:0009181, OMIM 226670.
Epidermolysis bullosa simplex, Ogna type (EBS5A). Also called: EPIDERMOLYSIS BULLOSA SIMPLEX 5A, OGNA TYPE; Pidermolysis bullosa simplex 5A, Ogna type. Identifiers: Orphanet 79401, MedGen C0432317, MONDO:0007555, OMIM 131950.
Epidermolysis bullosa simplex 5C, with pyloric atresia (EBS5C). Also called: PLEC-Related Epidermolysis Bullosa with Pyloric Atresia; Epidermolysis bullosa simplex with pyloric atresia; PLEC1-Related Epidermolysis Bullosa with Pyloric Atresia. Identifiers: Orphanet 158684, MedGen C2677349, MONDO:0012807, OMIM 612138.
Epidermolysis bullosa simplex with nail dystrophy (EBS5D). Identifiers: MedGen C4225309, MONDO:0014661, OMIM 616487.
Autosomal recessive limb-girdle muscular dystrophy type 2Q (LGMDR17). Also called: MUSCULAR DYSTROPHY, LIMB-GIRDLE, AUTOSOMAL RECESSIVE 17. Identifiers: Orphanet 254361, MedGen C3150989, MONDO:0013390, OMIM 613723.

Submission:

Labcorp Genetics (formerly Invitae), Labcorp
Classification: Uncertain significance for Autosomal recessive limb-girdle muscular dystrophy type 2Q; Epidermolysis bullosa simplex, Ogna type; Epidermolysis bullosa simplex with nail dystrophy; Epidermolysis bullosa simplex 5C, with pyloric atresia; Epidermolysis bullosa simplex 5B, with muscular dystrophy. Last evaluated: 2025-04-07. Review status: criteria provided, single submitter. Criteria: Invitae Variant Classification Sherloc (09022015). Collection method: clinical testing. Allele origin: germline.
Comment: This sequence change replaces arginine, which is basic and polar, with serine, which is neutral and polar, at codon 1297 of the PLEC protein (p.Arg1297Ser). This variant is not present in population databases (gnomAD no frequency). This variant has not been reported in the literature in individuals affected with PLEC-related conditions. ClinVar contains an entry for this variant (Variation ID: 1913805). Invitae Evidence Modeling of protein sequence and biophysical properties (such as structural, functional, and spatial information, amino acid conservation, physicochemical variation, residue mobility, and thermodynamic stability) indicates that this missense variant is not expected to disrupt PLEC protein function with a negative predictive value of 80%. In summary, the available evidence is currently insufficient to determine the role of this variant in disease. Therefore, it has been classified as a Variant of Uncertain Significance.